The following is an entry in ClinVar:

NM_006949.4(STXBP2):c.287C>T (p.Thr96Ile)

Gene: STXBP2 (syntaxin binding protein 2; plus strand). Cytogenetic location: 19p13.2.
Variant type: single nucleotide variant.
Coding change: c.287C>T on transcript NM_006949.4 (MANE Select); coding-DNA position 287, C replaced by T.
Protein change: p.Thr96Ile; replaces threonine 96 with isoleucine.
Molecular consequence: missense variant. On other transcripts: non-coding transcript variant (1).
Genome position (GRCh38, 1-based): chr19:7,640,771, C>T. VCF-style: chr19-7640771-C-T. GRCh37 (hg19) VCF-style: chr19-7705657-C-T.
Other names: c.278C>T, p.Thr93Ile (NM_001127396.3); c.320C>T, p.Thr107Ile (NM_001272034.2); short protein forms T107I, T93I, T96I.
Identifiers: ClinVar variation 1489789 (VCV001489789.6), dbSNP rs139280621, ClinGen allele CA9143563.
Genomic context (GRCh38, chr19:7,640,771, plus strand): 5'-GAGTGATCCACCTTCCCCAGTCGGTTCAGGCCCTGATCAAAGACTTCCAGGGGACCCCGA[C>T]TTTCACCTACAAAGCGGCCCATATCTTCTTCACCGACAGTGAGTGAGGAGAGCCTAGGGT-3'
Protein context (NP_008880.2, residues 86-106): ALIKDFQGTP[Thr96Ile]FTYKAAHIFF

ClinVar aggregate classification (germline): Uncertain significance (1 of 4 stars; one submission).

Conditions:
Familial hemophagocytic lymphohistiocytosis 5. Also called: STXBP2-Related Familial Hemophagocytic Lymphohistiocytosis (STXBP2-fHLH). Identifiers: Orphanet 540, MedGen C2751293, MONDO:0013135, OMIM 613101.

Allele frequency attached by ClinVar (database versions not stated): gnomAD exomes below 0.00001; TOPMed below 0.00001; ExAC 0.00001; ESP Exome Variant Server 0.00008.

Submission:

Labcorp Genetics (formerly Invitae), Labcorp
Classification: Uncertain significance for Familial hemophagocytic lymphohistiocytosis 5. Last evaluated: 2024-02-12. Review status: criteria provided, single submitter. Criteria: Invitae Variant Classification Sherloc (09022015). Collection method: clinical testing. Allele origin: germline.
Comment: This sequence change replaces threonine, which is neutral and polar, with isoleucine, which is neutral and non-polar, at codon 96 of the STXBP2 protein (p.Thr96Ile). This variant is present in population databases (rs139280621, gnomAD 0.007%). This variant has not been reported in the literature in individuals affected with STXBP2-related conditions. ClinVar contains an entry for this variant (Variation ID: 1489789). An algorithm developed to predict the effect of missense changes on protein structure and function (PolyPhen-2) suggests that this variant is likely to be disruptive. In summary, the available evidence is currently insufficient to determine the role of this variant in disease. Therefore, it has been classified as a Variant of Uncertain Significance.